The following is an entry in ClinVar:

ClinVar aggregate classification (germline): Uncertain significance (1 of 4 stars; one submission).

Allele frequency attached by ClinVar (database versions not stated): gnomAD exomes below 0.00001.
gnomAD v4.1: 1 of 1,609,798 alleles (0.000062%); highest among the groups gnomAD compares: Non-Finnish European, 0.000085%; no homozygotes.

Submission:

Labcorp Genetics (formerly Invitae), Labcorp
Classification: Uncertain significance. Last evaluated: 2021-10-24. Review status: criteria provided, single submitter. Criteria: Invitae Variant Classification Sherloc (09022015). Collection method: clinical testing. Allele origin: germline.
Comment: In summary, the available evidence is currently insufficient to determine the role of this variant in disease. Therefore, it has been classified as a Variant of Uncertain Significance. Algorithms developed to predict the effect of missense changes on protein structure and function output the following: SIFT: "Not Available"; PolyPhen-2: "Benign"; Align-GVGD: "Not Available". The methionine amino acid residue is found in multiple mammalian species, which suggests that this missense change does not adversely affect protein function. This variant has not been reported in the literature in individuals affected with CEP250-related conditions. This variant is not present in population databases (gnomAD no frequency). This sequence change replaces valine, which is neutral and non-polar, with methionine, which is neutral and non-polar, at codon 1877 of the CEP250 protein (p.Val1877Met).

NM_007186.6(CEP250):c.5629G>A (p.Val1877Met)

Gene: CEP250 (centrosomal protein 250; plus strand). Cytogenetic location: 20q11.22.
Variant type: single nucleotide variant.
Coding change: c.5629G>A on transcript NM_007186.6 (MANE Select); coding-DNA position 5629, G replaced by A.
Protein change: p.Val1877Met; replaces valine 1877 with methionine.
Molecular consequence: missense variant.
Genome position (GRCh38, 1-based): chr20:35,503,998, G>A. VCF-style: chr20-35503998-G-A. GRCh37 (hg19) VCF-style: chr20-34091826-G-A.
Other names: c.3733G>A, p.Val1245Met (NM_001318219.1); short protein forms V1245M, V1877M.
Identifiers: ClinVar variation 1443275 (VCV001443275.6), dbSNP rs2147166718, ClinGen allele CA408754071.